The following is an entry in ClinVar:

ClinVar aggregate classification (germline): Uncertain significance (1 of 4 stars; one submission).

Conditions:
Chuvash polycythemia. Also called: POLYCYTHEMIA, VHL-DEPENDENT. Identifiers: Orphanet 238557, MedGen C1837915, MONDO:0009892, OMIM 263400.
Von Hippel-Lindau syndrome (VHLS). Also called: Von Hippel-Lindau; von Hippel–Lindau syndrome; VHL syndrome. Identifiers: Orphanet 892, MedGen C0019562, MONDO:0008667, OMIM 193300. Disease mechanism: loss of function.

Submission:

Labcorp Genetics (formerly Invitae), Labcorp
Classification: Uncertain significance for Von Hippel-Lindau syndrome; Chuvash polycythemia. Last evaluated: 2025-07-07. Review status: criteria provided, single submitter. Criteria: Invitae Variant Classification Sherloc (09022015). Collection method: clinical testing. Allele origin: germline.
Comment: This sequence change replaces tyrosine, which is neutral and polar, with histidine, which is basic and polar, at codon 23 of the VHL protein (p.Tyr23His). This variant is not present in population databases (gnomAD no frequency). This variant has not been reported in the literature in individuals affected with VHL-related conditions. ClinVar contains an entry for this variant (Variation ID: 1378852). Invitae Evidence Modeling of protein sequence and biophysical properties (such as structural, functional, and spatial information, amino acid conservation, physicochemical variation, residue mobility, and thermodynamic stability) indicates that this missense variant is not expected to disrupt VHL protein function with a negative predictive value of 95%. In summary, the available evidence is currently insufficient to determine the role of this variant in disease. Therefore, it has been classified as a Variant of Uncertain Significance.

NM_000551.4(VHL):c.67T>C (p.Tyr23His)

Gene: VHL (von Hippel-Lindau tumor suppressor; plus strand). Cytogenetic location: 3p25.3.
Variant type: single nucleotide variant.
Coding change: c.67T>C on transcript NM_000551.4 (MANE Select); coding-DNA position 67, T replaced by C.
Protein change: p.Tyr23His; replaces tyrosine 23 with histidine.
Molecular consequence: missense variant.
Genome position (GRCh38, 1-based): chr3:10,141,914, T>C. VCF-style: chr3-10141914-T-C. GRCh37 (hg19) VCF-style: chr3-10183598-T-C.
Other names: c.67T>C, p.Tyr23His (NM_001354723.2, NM_198156.3); short protein forms Y23H.
Identifiers: ClinVar variation 1378852 (VCV001378852.6), dbSNP rs1696118253, ClinGen allele CA351747387.